The following is an entry in ClinVar:

ClinVar aggregate classification (germline): Benign. Review status: criteria provided, multiple submitters, no conflicts (2 of 4 stars). 10 submissions from 10 submitters: Benign (7). 3 of the submissions do not count toward it. Last evaluated 2026-02-04.

Conditions:
Epidermolysis bullosa dystrophica. Also called: Dystrophic epidermolysis bullosa, Hallopeau-Siemens type (formerly); Dystrophic epidermolysis bullosa. Identifiers: Orphanet 303, MedGen C0079294, MONDO:0006543.

Allele frequency attached by ClinVar (database versions not stated): 1000 Genomes Project 0.68111; 1000 Genomes Project 30x 0.69019; TOPMed 0.73720; gnomAD 0.74010 and 0.74947; ESP Exome Variant Server 0.77364.
gnomAD v4.1: 1,133,923 of 1,613,022 alleles (70%); highest among the groups gnomAD compares: African/African-American, 91%; 403,919 homozygotes.

Submissions (10):

Labcorp Genetics (formerly Invitae), Labcorp
Classification: Benign. Last evaluated: 2026-02-04. Review status: criteria provided, single submitter. Criteria: Invitae Variant Classification Sherloc (09022015). Collection method: clinical testing. Allele origin: germline.

Women's Health and Genetics/Laboratory Corporation of America, LabCorp
Classification: Benign. Last evaluated: 2025-01-27. Review status: criteria provided, single submitter. Criteria: LabCorp Variant Classification Summary - May 2015. Collection method: clinical testing. Allele origin: germline.

Mayo Clinic Laboratories, Mayo Clinic
Classification: Benign. Last evaluated: 2024-02-13. Review status: criteria provided, single submitter. Criteria: ACMG Guidelines, 2015. Collection method: clinical testing. Allele origin: germline. Observed: 84 variant alleles.

Illumina Laboratory Services, Illumina
Classification: Benign for Dystrophic epidermolysis bullosa. Last evaluated: 2018-01-12. Review status: criteria provided, single submitter. Criteria: ICSL Variant Classification Criteria 13 December 2019. Collection method: clinical testing. Allele origin: germline.
Comment: This variant was observed in the ICSL laboratory as part of a predisposition screen in an ostensibly healthy population. It had not been previously curated by ICSL or reported in the Human Gene Mutation Database (HGMD: prior to June 1st, 2018), and was therefore a candidate for classification through an automated scoring system. Utilizing variant allele frequency, disease prevalence and penetrance estimates, and inheritance mode, an automated score was calculated to assess if this variant is too frequent to cause the disease. Based on the score and internal cut-off values, a variant classified as benign is not then subjected to further curation. The score for this variant resulted in a classification of benign for this disease.

GeneDx
Classification: Benign. Last evaluated: 2015-03-03. Review status: criteria provided, single submitter. Criteria: GeneDx Variant Classification Process June 2021. Collection method: clinical testing. Allele origin: germline. Affected: yes.

Breakthrough Genomics
Classification: Benign. Review status: criteria provided, single submitter. Criteria: ACMG Guidelines, 2015. Collection method: not provided. Allele origin: germline. Inheritance: Autosomal recessive inheritance. Affected: yes.

PreventionGenetics, part of Exact Sciences
Classification: Benign. Review status: criteria provided, single submitter. Criteria: ACMG Guidelines, 2015. Collection method: clinical testing. Allele origin: germline.

Natera, Inc.
Classification: Benign for Dystrophic epidermolysis bullosa. Last evaluated: 2019-11-18. Review status: no assertion criteria provided. Collection method: clinical testing. Allele origin: germline. Not counted in ClinVar's aggregate classification.

Diagnostic Laboratory, Department of Genetics, University Medical Center Groningen
Classification: Benign. Review status: no assertion criteria provided. Collection method: clinical testing. Allele origin: germline. Affected: yes. Study: VKGL Data-share Consensus. Not counted in ClinVar's aggregate classification.

Joint Genome Diagnostic Labs from Nijmegen and Maastricht, Radboudumc and MUMC+
Classification: Benign. Review status: no assertion criteria provided. Collection method: clinical testing. Allele origin: germline. Affected: yes. Study: VKGL Data-share Consensus. Not counted in ClinVar's aggregate classification.

NM_000094.4(COL7A1):c.2817A>G (p.Pro939=)

Gene: COL7A1 (collagen type VII alpha 1 chain; minus strand). Cytogenetic location: 3p21.31.
Variant type: single nucleotide variant.
Coding change: c.2817A>G on transcript NM_000094.4 (MANE Select); coding-DNA position 2817, A replaced by G.
Protein change: p.Pro939=; no amino-acid change (proline 939 retained).
Molecular consequence: synonymous variant.
Genome position (GRCh38, 1-based): chr3:48,587,833, T>C on the plus strand (A>G on the coding strand, the complement: COL7A1 is on the minus strand). VCF-style: chr3-48587833-T-C. GRCh37 (hg19) VCF-style: chr3-48625266-T-C.
Other names: p.Pro939=.
Identifiers: ClinVar variation 255107 (VCV000255107.28), dbSNP rs1264194, ClinGen allele CA2380742.
Genomic context (GRCh38, chr3:48,587,833, plus strand): 5'-CCAAGGTGAGGCAGGCTTACCAGTGCGCGCAGTCACCTCTGCAGAGGGCCCTTCTCCAGC[T>C]GGCCCTAGGACACTCAGCCTCACGCGGTACTGTGTCGCTGGCTCCAGCCCGTCCAGGTGA-3'
Protein context (NP_000085.1, residues 929-949): QYRVRLSVLG[Pro939=]AGEGPSAEVT